The following is an entry in ClinVar:

NM_000275.3(OCA2):c.107G>T (p.Arg36Leu)

Gene: OCA2 (OCA2 melanosomal transmembrane protein; minus strand). Cytogenetic location: 15q13.1.
Variant type: single nucleotide variant.
Coding change: c.107G>T on transcript NM_000275.3 (MANE Select); coding-DNA position 107, G replaced by T.
Protein change: p.Arg36Leu; replaces arginine 36 with leucine.
Molecular consequence: missense variant.
Genome position (GRCh38, 1-based): chr15:28,081,768, C>A on the plus strand (G>T on the coding strand, the complement: OCA2 is on the minus strand). VCF-style: chr15-28081768-C-A. GRCh37 (hg19) VCF-style: chr15-28326914-C-A.
Other names: c.107G>T, p.Arg36Leu (NM_001300984.2); short protein forms R36L.
Identifiers: ClinVar variation 1499534 (VCV001499534.8), dbSNP rs143429491, ClinGen allele CA7439578.

ClinVar aggregate classification (germline): Uncertain significance (1 of 4 stars; one submission).

Allele frequency attached by ClinVar (database versions not stated): ESP Exome Variant Server 0.00008.
gnomAD v4.1: 4 of 1,613,144 alleles (0.00025%); highest among the groups gnomAD compares: Non-Finnish European, 0.00034%; no homozygotes.

Submission:

Labcorp Genetics (formerly Invitae), Labcorp
Classification: Uncertain significance. Last evaluated: 2024-01-19. Review status: criteria provided, single submitter. Criteria: Invitae Variant Classification Sherloc (09022015). Collection method: clinical testing. Allele origin: germline.
Comment: This sequence change replaces arginine, which is basic and polar, with leucine, which is neutral and non-polar, at codon 36 of the OCA2 protein (p.Arg36Leu). This variant is present in population databases (rs143429491, gnomAD 0.0009%). This variant has not been reported in the literature in individuals affected with OCA2-related conditions. ClinVar contains an entry for this variant (Variation ID: 1499534). Advanced modeling of protein sequence and biophysical properties (such as structural, functional, and spatial information, amino acid conservation, physicochemical variation, residue mobility, and thermodynamic stability) performed at Invitae indicates that this missense variant is not expected to disrupt OCA2 protein function with a negative predictive value of 95%. In summary, the available evidence is currently insufficient to determine the role of this variant in disease. Therefore, it has been classified as a Variant of Uncertain Significance.